The following is an entry in ClinVar:

ClinVar aggregate classification (germline): Uncertain significance (1 of 4 stars; one submission).

Allele frequency attached by ClinVar (database versions not stated): gnomAD exomes below 0.00001.
gnomAD v4.1: 1 of 1,614,192 alleles (0.000062%); highest among the groups gnomAD compares: East Asian, 0.0022%; no homozygotes.

Submission:

Labcorp Genetics (formerly Invitae), Labcorp
Classification: Uncertain significance. Last evaluated: 2022-09-10. Review status: criteria provided, single submitter. Criteria: Invitae Variant Classification Sherloc (09022015). Collection method: clinical testing. Allele origin: germline.
Comment: In summary, the available evidence is currently insufficient to determine the role of this variant in disease. Therefore, it has been classified as a Variant of Uncertain Significance. This variant has not been reported in the literature in individuals affected with HYOU1-related conditions. This sequence change affects codon 395 of the HYOU1 mRNA. It is a 'silent' change, meaning that it does not change the encoded amino acid sequence of the HYOU1 protein. This variant is not present in population databases (gnomAD no frequency).

NM_006389.5(HYOU1):c.1185G>A (p.Val395=)

Genes: HYOU1 (hypoxia up-regulated 1; minus strand), LOC130006884 (ATAC-STARR-seq lymphoblastoid active region 5617; plus strand). Cytogenetic location: 11q23.3.
Variant type: single nucleotide variant.
Coding change: c.1185G>A on transcript NM_006389.5 (MANE Select); coding-DNA position 1185, G replaced by A.
Protein change: p.Val395=; no amino-acid change (valine 395 retained).
Molecular consequence: synonymous variant.
Genome position (GRCh38, 1-based): chr11:119,052,110, C>T on the plus strand (G>A on the coding strand, the complement: HYOU1 is on the minus strand). VCF-style: chr11-119052110-C-T. GRCh37 (hg19) VCF-style: chr11-118922822-C-T.
Other names: c.1185G>A, p.Val395= (NM_001130991.3, NM_001411041.1).
Identifiers: ClinVar variation 2132160 (VCV002132160.4), dbSNP rs1302583258, ClinGen allele CA672395626.